The following is an entry in ClinVar:

NM_152419.3(HGSNAT):c.1635G>A (p.Thr545=)

Gene: HGSNAT (heparan-alpha-glucosaminide N-acetyltransferase; plus strand). Cytogenetic location: 8p11.21.
Variant type: single nucleotide variant.
Coding change: c.1635G>A on transcript NM_152419.3 (MANE Select); coding-DNA position 1635, G replaced by A.
Protein change: p.Thr545=; no amino-acid change (threonine 545 retained).
Molecular consequence: synonymous variant.
Genome position (GRCh38, 1-based): chr8:43,197,861, G>A. VCF-style: chr8-43197861-G-A. GRCh37 (hg19) VCF-style: chr8-43053004-G-A.
Other names: c.1722G>A, p.Thr574= (NM_001363227.2); c.1443G>A, p.Thr481= (NM_001363228.2); c.771G>A, p.Thr257= (NM_001363229.2).
Identifiers: ClinVar variation 750655 (VCV000750655.12), dbSNP rs775897635, ClinGen allele CA4736989.

ClinVar aggregate classification (germline): Likely benign. Review status: criteria provided, multiple submitters, no conflicts (2 of 4 stars). 3 submissions from 3 submitters: Likely benign (2). 1 of the submissions does not count toward it. Last evaluated 2025-10-15.

Conditions:
HGSNAT-related disorder. Also called: HGSNAT-related condition.
Mucopolysaccharidosis, MPS-III-C (MPS3C). Also called: MUCOPOLYSACCHARIDOSIS, TYPE IIIC; mucopolysaccharidosis type 3C; SANFILIPPO SYNDROME C; MPS III C; MPS IIIC (Sanfilippo Syndrome Type C); Mucopolysaccharidosis type IIIC (Sanfilippo C). Identifiers: Orphanet 581, Orphanet 79271, MedGen C0086649, MONDO:0009657, OMIM 252930.
Retinitis pigmentosa 73 (RP73). Identifiers: Orphanet 791, MedGen C4225287, MONDO:0014687, OMIM 616544.

Allele frequency attached by ClinVar (database versions not stated): gnomAD 0.00002; ExAC 0.00008; gnomAD exomes 0.00002; TOPMed 0.00003.
gnomAD v4.1: 41 of 1,613,782 alleles (0.0025%); highest among the groups gnomAD compares: Non-Finnish European, 0.003%; no homozygotes.

Submissions (3):

Labcorp Genetics (formerly Invitae), Labcorp
Classification: Likely benign for Retinitis pigmentosa 73; Mucopolysaccharidosis, MPS-III-C. Last evaluated: 2025-10-15. Review status: criteria provided, single submitter. Criteria: Invitae Variant Classification Sherloc (09022015). Collection method: clinical testing. Allele origin: germline.

Blueprint Genetics
Classification: Likely benign. Last evaluated: 2024-11-19. Review status: criteria provided, single submitter. Criteria: ACMG Guidelines, 2015. Collection method: clinical testing. Allele origin: germline.

PreventionGenetics, part of Exact Sciences
Classification: Likely benign for HGSNAT-related condition. Last evaluated: 2019-08-28. Review status: no assertion criteria provided. Collection method: clinical testing. Allele origin: germline. Not counted in ClinVar's aggregate classification.
Comment: This variant is classified as likely benign based on ACMG/AMP sequence variant interpretation guidelines (Richards et al. 2015 PMID: 25741868, with internal and published modifications).